The following is an entry in ClinVar:

NM_006359.2(SLC9A6):c.509_510delGA

Gene: SLC9A6 (solute carrier family 9 member A6; plus strand). Cytogenetic location: Xq26.3.
Variant type: Microsatellite.
Coding change: c.509_510delGA on transcript NM_006359.2; coding-DNA positions 509 to 510, 2 bases deleted (GA).
Genome position (GRCh38, 1-based): chrX:135,998,483-135,998,484, GA deleted; deleting any 2 consecutive bases within chrX:135,998,480-135,998,484 gives the same sequence; the c. name uses the placement nearest the transcript's 3' end. VCF-style (leftmost placement, unchanged base first): chrX-135998479-CAG-C. GRCh37 (hg19) VCF-style: chrX-135080638-CAG-C.
Identifiers: ClinVar variation 421511 (VCV000421511.4), dbSNP rs1064795183, ClinGen allele CA16621204.
Genomic context (GRCh38, chrX:135,998,479, plus strand): 5'-AACCTTTTCTTTTTCAAGTAACTGGTAAGTATTCTAACAGTGTAACTTTTTTTTTTTTGT[CAG>C]AGACATTTTTTTCGAAATCTTGGGTCTATCCTAGCATACGCTTTTCTTGGAACAGCAATT-3'

ClinVar aggregate classification (germline): Pathogenic (1 of 4 stars; one submission).

Submission:

GeneDx
Classification: Pathogenic. Last evaluated: 2016-06-17. Review status: criteria provided, single submitter. Criteria: GeneDx Variant Classification (06012015). Collection method: clinical testing. Allele origin: germline. Affected: yes.
Comment: The c.509_510delGA variant in the SLC9A6 gene has not been reported previously as a pathogenic variant nor as a benign variant, to our knowledge. It was not observed in approximately 6,500 individuals of European and African American ancestry in the NHLBI Exome Sequencing Project, indicating it is not a common benign variant in these populations. The c.509_510delGA variant causes a frameshift starting with codon Arginine 170, changes this amino acid to a Threonine residue and creates a premature Stop codon at position 61 of the new reading frame, denoted p.Arg170ThrfsX61. This variant is predicted to cause loss of normal protein function either through protein truncation or nonsense-mediated mRNA decay.